The following is an entry in ClinVar:

NM_018006.5(TRMU):c.249-7A>C

Gene: TRMU (tRNA mitochondrial 2-thiouridylase; plus strand). Cytogenetic location: 22q13.31.
Variant type: single nucleotide variant.
Coding change: c.249-7A>C on transcript NM_018006.5 (MANE Select); 7 bases into the intron before coding-DNA position 249, A replaced by C.
Molecular consequence: intron variant.
Genome position (GRCh38, 1-based): chr22:46,343,255, A>C. VCF-style: chr22-46343255-A-C. GRCh37 (hg19) VCF-style: chr22-46739152-A-C.
Other names: c.249-7A>C (NM_001282785.2); c.14-3167A>C (NM_001282782.2); c.-6-3167A>C (NM_001282783.2, NM_001282784.2).
Identifiers: ClinVar variation 4982433 (VCV004982433.1).

ClinVar aggregate classification (germline): Likely benign (1 of 4 stars; one submission).

Conditions:
TRMU-related disorder. Also called: TRMU-related condition.

Submission:

PreventionGenetics, part of Exact Sciences
Classification: Likely benign for TRMU-related condition. Last evaluated: 2024-11-11. Review status: criteria provided, single submitter. Criteria: ACMG Guidelines, 2015. Collection method: clinical testing. Allele origin: germline.
Comment: This variant is classified as likely benign based on ACMG/AMP sequence variant interpretation guidelines (Richards et al. 2015 PMID: 25741868, with internal and published modifications).